The following is an entry in ClinVar:

ClinVar aggregate classification (germline): Uncertain significance. Review status: criteria provided, multiple submitters, no conflicts (2 of 4 stars). 3 submissions from 3 submitters: Uncertain significance (3). Last evaluated 2025-08-31.

Conditions:
Noonan syndrome 8 (NS8). Identifiers: Orphanet 648, MedGen C3809233, MONDO:0014143, OMIM 615355.
Cardiovascular phenotype. Identifiers: MedGen CN230736.

Allele frequency attached by ClinVar (database versions not stated): ExAC 0.00004.

Submissions (3):

Labcorp Genetics (formerly Invitae), Labcorp
Classification: Uncertain significance for Noonan syndrome 8. Last evaluated: 2025-08-31. Review status: criteria provided, single submitter. Criteria: Invitae Variant Classification Sherloc (09022015). Collection method: clinical testing. Allele origin: germline.
Comment: This sequence change replaces aspartic acid, which is acidic and polar, with glycine, which is neutral and non-polar, at codon 125 of the RIT1 protein (p.Asp125Gly). This variant is present in population databases (rs752204910, gnomAD 0.03%). This variant has not been reported in the literature in individuals affected with RIT1-related conditions. ClinVar contains an entry for this variant (Variation ID: 2077068). Invitae Evidence Modeling incorporating data from in vitro experimental studies (internal data) indicates that this missense variant is not expected to disrupt RIT1 function with a negative predictive value of 95%. In summary, the available evidence is currently insufficient to determine the role of this variant in disease. Therefore, it has been classified as a Variant of Uncertain Significance.

Ambry Genetics
Classification: Uncertain significance for Cardiovascular phenotype. Last evaluated: 2023-06-06. Review status: criteria provided, single submitter. Criteria: Ambry Variant Classification Scheme 2023. Collection method: clinical testing. Allele origin: germline.

Genome-Nilou Lab
Classification: Uncertain significance for Noonan syndrome 8. Last evaluated: 2023-04-11. Review status: criteria provided, single submitter. Criteria: ACMG Guidelines, 2015. Collection method: clinical testing. Allele origin: germline. Affected: no.

NM_006912.6(RIT1):c.374A>G (p.Asp125Gly)

Gene: RIT1 (Ras like without CAAX 1; minus strand). Cytogenetic location: 1q22.
Variant type: single nucleotide variant.
Coding change: c.374A>G on transcript NM_006912.6 (MANE Select); coding-DNA position 374, A replaced by G.
Protein change: p.Asp125Gly; replaces aspartic acid 125 with glycine.
Molecular consequence: missense variant.
Genome position (GRCh38, 1-based): chr1:155,904,366, T>C on the plus strand (A>G on the coding strand, the complement: RIT1 is on the minus strand). VCF-style: chr1-155904366-T-C. GRCh37 (hg19) VCF-style: chr1-155874157-T-C.
Other names: c.266A>G, p.Asp89Gly (NM_001256820.2); c.425A>G, p.Asp142Gly (NM_001256821.2); c.374A>G (NM_006912.4); short protein forms D125G, D89G, D142G.
Identifiers: ClinVar variation 2077068 (VCV002077068.7), dbSNP rs752204910, ClinGen allele CA1151801.